The following is an entry in ClinVar:

ClinVar aggregate classification (germline): Uncertain significance. Review status: criteria provided, multiple submitters, no conflicts (2 of 4 stars). 3 submissions from 3 submitters: Uncertain significance (2). 1 of the submissions does not count toward it. Last evaluated 2023-12-08.

Conditions:
Cardiomyopathy (CMYO). Also called: Cardiomyopathies. Identifiers: Orphanet 167848, MedGen C0878544, MONDO:0004994, HP:0001638. Inheritance: Various modes of inheritance.

Submissions (3):

Color Diagnostics, LLC DBA Color Health
Classification: Uncertain significance for Cardiomyopathy. Last evaluated: 2023-12-08. Review status: criteria provided, single submitter. Criteria: ACMG Guidelines, 2015. Collection method: clinical testing. Allele origin: germline.
Comment: This missense variant replaces glutamic acid with lysine at codon 422 of the DSP protein. Computational prediction suggests that this variant may not impact protein structure and function (internally defined REVEL score threshold <= 0.5, PMID: 27666373). To our knowledge, functional studies have not been reported for this variant. This variant has been reported in an individual affected with arrhythmogenic right ventricular cardiomyopathy (PMID: 20857253). This variant has not been identified in the general population by the Genome Aggregation Database (gnomAD). The available evidence is insufficient to determine the role of this variant in disease conclusively. Therefore, this variant is classified as a Variant of Uncertain Significance.

GeneDx
Classification: Uncertain significance. Last evaluated: 2017-01-12. Review status: criteria provided, single submitter. Criteria: GeneDx Variant Classification (06012015). Collection method: clinical testing. Allele origin: germline. Affected: yes.
Comment: This individual did not have a family history of ARVC; however segregation data to determine if this variant occurred de novo in this individual was not provided (Tan et al., 2010). This variant is not observed in large population cohorts (Lek et al., 2016; 1000 Genomes Consortium et al., 2015; Exome Variant Server). The E422K variant is a non-conservative amino acid substitution, which is likely to impact secondary protein structure as these residues differ in polarity, charge, size and/or other properties. Additionally, this substitution occurs at a position that is conserved across species. Furthermore, in silico analysis predicts this variant may be damaging to the protein structure/function. Nevertheless, no missense variants in nearby residues have been reported in the Human Gene Mutation Database in association with ARVC (Stenson et al., 2014), indicating this region of the gene is not known to harbor disease-causing variants.

Laboratory for Molecular Medicine, Mass General Brigham Personalized Medicine
Classification: Uncertain significance. Last evaluated: 2008-07-14. Review status: no assertion criteria provided. Collection method: clinical testing. Allele origin: germline. Observed: 2 variant alleles. Not counted in ClinVar's aggregate classification.

Literature cited by the submitters: PubMed 20857253 (cited by Color Diagnostics, LLC DBA Color Health).

NM_004415.4(DSP):c.1264G>A (p.Glu422Lys)

Gene: DSP (desmoplakin; plus strand). Cytogenetic location: 6p24.3.
Variant type: single nucleotide variant.
Coding change: c.1264G>A on transcript NM_004415.4 (MANE Select); coding-DNA position 1264, G replaced by A.
Protein change: p.Glu422Lys; replaces glutamic acid 422 with lysine.
Molecular consequence: missense variant.
Genome position (GRCh38, 1-based): chr6:7,567,904, G>A. VCF-style: chr6-7567904-G-A. GRCh37 (hg19) VCF-style: chr6-7568137-G-A.
Other names: p.E422K:GAG>AAG; c.1264G>A, p.Glu422Lys (NM_001008844.3, NM_001319034.2); short protein forms E422K.
Identifiers: ClinVar variation 44853 (VCV000044853.7), dbSNP rs397516914, ClinGen allele CA004830.
Genomic context (GRCh38, chr6:7,567,904, plus strand): 5'-AAGTACCCCTGCGACAAGAACATGCCCCTGCAGCACCTGCTGGAACAGATCAAGGAGCTG[G>A]AGGTATCGTCTCAGACCCAGAACCTCAGCAGCTGTGCCTGATCAGGGAGATAAAACACAT-3'
Protein context (NP_004406.2, residues 412-432): QHLLEQIKEL[Glu422Lys]KEREKILEYK